The following is an entry in ClinVar:

NM_000388.4(CASR):c.2792A>G (p.Lys931Arg)

Gene: CASR (calcium sensing receptor; plus strand). Cytogenetic location: 3q21.1.
Variant type: single nucleotide variant.
Coding change: c.2792A>G on transcript NM_000388.4 (MANE Select); coding-DNA position 2792, A replaced by G.
Protein change: p.Lys931Arg; replaces lysine 931 with arginine.
Molecular consequence: missense variant.
Genome position (GRCh38, 1-based): chr3:122,284,746, A>G. VCF-style: chr3-122284746-A-G. GRCh37 (hg19) VCF-style: chr3-122003593-A-G.
Other names: c.2822A>G, p.Lys941Arg (NM_001178065.2); short protein forms K931R, K941R.
Identifiers: ClinVar variation 1796063 (VCV001796063.2), dbSNP rs2473281952, ClinGen allele CA354160779.
Genomic context (GRCh38, chr3:122,284,746, plus strand): 5'-CCTCCTCCATCAGCAGCAAGAGCAACAGCGAAGACCCATTCCCACAGCCCGAGAGGCAGA[A>G]GCAGCAGCAGCCGCTGGCCCTAACCCAGCAAGAGCAGCAGCAGCAGCCCCTGACCCTCCC-3'
Protein context (NP_000379.3, residues 921-941): EDPFPQPERQ[Lys931Arg]QQQPLALTQQ

ClinVar aggregate classification (germline): Uncertain significance (1 of 4 stars; one submission).

Conditions:
Nephrolithiasis/nephrocalcinosis. Identifiers: MedGen CN580796.

Submission:

Ambry Genetics
Classification: Uncertain significance for Nephrolithiasis/nephrocalcinosis. Last evaluated: 2022-10-08. Review status: criteria provided, single submitter. Criteria: Ambry Variant Classification Scheme 2023. Collection method: clinical testing. Allele origin: germline.
Comment: The p.K931R variant (also known as c.2792A>G), located in coding exon 6 of the CASR gene, results from an A to G substitution at nucleotide position 2792. The lysine at codon 931 is replaced by arginine, an amino acid with highly similar properties. This amino acid position is conserved. In addition, this alteration is predicted to be tolerated by in silico analysis. Since supporting evidence is limited at this time, the clinical significance of this alteration remains unclear.